The following is an entry in ClinVar:

ClinVar aggregate classification (germline): Benign/Likely benign. Review status: criteria provided, multiple submitters, no conflicts (2 of 4 stars). 3 submissions from 3 submitters: Benign (1); Likely benign (2). Last evaluated 2025-04-30.

Conditions:
Tuberous sclerosis 1 (TSC1). Identifiers: Orphanet 805, MedGen C1854465, MONDO:0008612, OMIM 191100.
Hereditary cancer-predisposing syndrome. Also called: Neoplastic Syndromes, Hereditary; Hereditary Cancer Syndrome; Tumor predisposition; Hereditary neoplastic syndrome. Identifiers: Orphanet 140162, MedGen C0027672, MeSH D009386, MONDO:0015356.

Allele frequency attached by ClinVar (database versions not stated): TOPMed below 0.00001.

Submissions (3):

Myriad Genetics, Inc.
Classification: Benign for Tuberous sclerosis 1. Last evaluated: 2025-04-30. Review status: criteria provided, single submitter. Criteria: Myriad Autosomal Dominant, Autosomal Recessive and X-Linked Classification Criteria (2023). Collection method: clinical testing. Allele origin: unknown.
Comment: This variant is considered benign. This variant is a silent/synonymous amino acid change and it is not expected to impact splicing.

Ambry Genetics
Classification: Likely benign for Hereditary cancer-predisposing syndrome. Last evaluated: 2023-04-27. Review status: criteria provided, single submitter. Criteria: Ambry Variant Classification Scheme 2023. Collection method: clinical testing. Allele origin: germline.

Labcorp Genetics (formerly Invitae), Labcorp
Classification: Likely benign for Tuberous sclerosis 1. Last evaluated: 2023-01-25. Review status: criteria provided, single submitter. Criteria: Invitae Variant Classification Sherloc (09022015). Collection method: clinical testing. Allele origin: germline.

NM_000368.5(TSC1):c.3432C>T (p.Thr1144=)

Gene: TSC1 (TSC complex subunit 1; minus strand). Cytogenetic location: 9q34.13.
Variant type: single nucleotide variant.
Coding change: c.3432C>T on transcript NM_000368.5 (MANE Select); coding-DNA position 3432, C replaced by T.
Protein change: p.Thr1144=; no amino-acid change (threonine 1144 retained).
Molecular consequence: synonymous variant.
Genome position (GRCh38, 1-based): chr9:132,896,298, G>A on the plus strand (C>T on the coding strand, the complement: TSC1 is on the minus strand). VCF-style: chr9-132896298-G-A. GRCh37 (hg19) VCF-style: chr9-135771685-G-A.
Other names: c.3429C>T, p.Thr1143= (NM_001162426.2); c.3279C>T, p.Thr1093= (NM_001162427.2); c.3069C>T, p.Thr1023= (NM_001362177.2).
Identifiers: ClinVar variation 796131 (VCV000796131.11), dbSNP rs1588285980, ClinGen allele CA467812877.
Genomic context (GRCh38, chr9:132,896,298, plus strand): 5'-GCTGTGTTCATGATGAGTCTCATTGTAGTCCATGATATGTAGCTGTCCAACACTGTCCGG[G>A]GTCGGGGGAGACGGGTGAGGGCCATCTAGGTTCAGGGGAATCTTGGCTTCCACACCCAAG-3'
Protein context (NP_000359.1, residues 1134-1154): NLDGPHPSPP[Thr1144=]PDSVGQLHIM